The following is an entry in ClinVar:

NM_152296.5(ATP1A3):c.410C>T (p.Ser137Phe)

Gene: ATP1A3 (ATPase Na+/K+ transporting subunit alpha 3; minus strand). Cytogenetic location: 19q13.2.
Variant type: single nucleotide variant.
Coding change: c.410C>T on transcript NM_152296.5 (MANE Select); coding-DNA position 410, C replaced by T.
Protein change: p.Ser137Phe; replaces serine 137 with phenylalanine.
Molecular consequence: missense variant.
Genome position (GRCh38, 1-based): chr19:41,986,177, G>A on the plus strand (C>T on the coding strand, the complement: ATP1A3 is on the minus strand). VCF-style: chr19-41986177-G-A. GRCh37 (hg19) VCF-style: chr19-42490329-G-A.
Other names: c.443C>T, p.Ser148Phe (NM_001256213.2); c.449C>T, p.Ser150Phe (NM_001256214.2); short protein forms S137F, S150F, S148F.
Identifiers: ClinVar variation 161122 (VCV000161122.17), dbSNP rs542652468, ClinGen allele CA345998.

ClinVar aggregate classification (germline): Pathogenic. Review status: criteria provided, multiple submitters, no conflicts (2 of 4 stars). 4 submissions from 4 submitters: Pathogenic (4). Last evaluated 2019-09-26.

Conditions:
Dystonia 12 (DYT12). Also called: Rapid-Onset Dystonia-Parkinsonism (RDP); DYT-ATP1A3. Identifiers: Orphanet 71517, MedGen C1868681, MONDO:0007496, OMIM 128235.
Alternating hemiplegia of childhood 2 (AHC2). Also called: Alternating Hemiplegia of Childhood (AHC). Identifiers: Orphanet 2131, MedGen C3553788, MONDO:0013900, OMIM 614820.
Epicanthus. Also called: Epicanthal fold. Identifiers: MedGen C0678230, OMIM 131500, HP:0000286.
Abnormal earlobe morphology. Also called: Abnormality of earlobe. Identifiers: MedGen C4021808, HP:0000363.
Ventriculomegaly. Identifiers: MedGen C1531647, HP:0002119.
Depressed nasal bridge. Also called: Flat nasal bridge; low nasal bridge; Flattened nasal bridge. Identifiers: MedGen C1836542, HP:0005280.
Seizure. Also called: Seizures. Identifiers: MedGen C0036572, HP:0001250.

Submissions (4):

GeneDx
Classification: Pathogenic. Last evaluated: 2019-09-26. Review status: criteria provided, single submitter. Criteria: GeneDx Variant Classification Process June 2021. Collection method: clinical testing. Allele origin: germline. Affected: yes.
Comment: Published functional studies demonstrate a damaging effect; the S137F mutant protein had normal expression but reduced enzyme activity compared with wild type (Heinzen et al., 2012); Not observed in large population cohorts (Lek et al., 2016); This variant is associated with the following publications: (PMID: 31623504, 29286531, 24291144, 22842232, 29396171)

Labcorp Genetics (formerly Invitae), Labcorp
Classification: Pathogenic for Dystonia 12. Last evaluated: 2019-08-13. Review status: criteria provided, single submitter. Criteria: Invitae Variant Classification Sherloc (09022015). Collection method: clinical testing. Allele origin: germline.
Comment: For these reasons, this variant has been classified as Pathogenic. This variant disrupts the p.Ser137 amino acid residue in ATP1A3. Other variant(s) that disrupt this residue have been determined to be pathogenic (PMID: 22842232). This suggests that this residue is clinically significant, and that variants that disrupt this residue are likely to be disease-causing. Algorithms developed to predict the effect of missense changes on protein structure and function are either unavailable or do not agree on the potential impact of this missense change (SIFT: "Deleterious"; PolyPhen-2: "Probably Damaging"; Align-GVGD: "Class C0"). This sequence change replaces serine with phenylalanine at codon 137 of the ATP1A3 protein (p.Ser137Phe). The serine residue is moderately conserved and there is a large physicochemical difference between serine and phenylalanine. This variant is not present in population databases (ExAC no frequency). This variant has been observed in individuals affected with alternating hemiplegia of childhood (PMID: 22842232, 26297560, 26410222). ClinVar contains an entry for this variant (Variation ID: 161122).

Rady Children's Institute for Genomic Medicine, Rady Children's Hospital San Diego
Classification: Pathogenic for ALTERNATING HEMIPLEGIA OF CHILDHOOD 2. Last evaluated: 2018-03-07. Review status: criteria provided, single submitter. Criteria: ACMG Guidelines, 2015. Collection method: clinical testing. Allele origin: germline. Affected: yes. Observed: 1 variant allele.
Comment: This variant was previously identified as pathogenic in an affected individual with alternating hemiplegia of childhood (AHC) (referenced as p.Ser137Phe, PMID:22842232). There is one report of the variant as pathogenic in ClinVar (Variation ID: 161122). There are two additional reports of a different amino acid substitution at the same residue (p.Ser150Tyr) in individuals affected with AHC (PMID:22842232). Functional characterization of the p.Ser150Tyr variant demonstrated impaired ATPase activity relative to the reference (PMID 24631656). The ATP1A3 gene is highly intolerant to missense variants and the p.Ser150 residue is highly conserved among eukaryotes. In silico algorithms predict the damaging effect on protein function. This variant is not present in any of the population allele frequency databases, thus it is presumed to be rare. Based on the combined evidence, the variant is classified as pathogenic.

Centre for Mendelian Genomics, University Medical Centre Ljubljana
Classification: Pathogenic for Abnormal earlobe morphology; Depressed nasal bridge; Epicanthus; Seizure; Ventriculomegaly. Last evaluated: 2015-06-22. Review status: criteria provided, single submitter. Criteria: ACMG Guidelines, 2015. Collection method: clinical testing. Allele origin: unknown. Affected: yes.

Literature cited by the submitters: PubMed 22842232 (cited by Labcorp Genetics (formerly Invitae), Labcorp); PubMed 26297560 (cited by Labcorp Genetics (formerly Invitae), Labcorp); PubMed 26410222 (cited by Labcorp Genetics (formerly Invitae), Labcorp).